The following is an entry in ClinVar:

NM_002755.4(MAP2K1):c.29A>T (p.Gln10Leu)

Gene: MAP2K1 (mitogen-activated protein kinase kinase 1; plus strand). Cytogenetic location: 15q22.31.
Variant type: single nucleotide variant.
Coding change: c.29A>T on transcript NM_002755.4 (MANE Select); coding-DNA position 29, A replaced by T.
Protein change: p.Gln10Leu; replaces glutamine 10 with leucine.
Molecular consequence: missense variant.
Genome position (GRCh38, 1-based): chr15:66,387,376, A>T. VCF-style: chr15-66387376-A-T. GRCh37 (hg19) VCF-style: chr15-66679714-A-T.
Other names: short protein forms Q10L.
Identifiers: ClinVar variation 929218 (VCV000929218.1), dbSNP rs2093343985, ClinGen allele CA392931543.

ClinVar aggregate classification (germline): Uncertain significance (1 of 4 stars; one submission).

Submission:

Women's Health and Genetics/Laboratory Corporation of America, LabCorp
Classification: Uncertain significance. Last evaluated: 2019-08-12. Review status: criteria provided, single submitter. Criteria: LabCorp Variant Classification Summary - May 2015. Collection method: clinical testing. Allele origin: germline.
Comment: Variant summary: MAP2K1 c.29A>T (p.Gln10Leu) results in a non-conservative amino acid change in the encoded protein sequence. Three of five in-silico tools predict a benign effect of the variant on protein function. The variant was absent in 176886 control chromosomes (gnomAD). The available data on variant occurrences in the general population are insufficient to allow any conclusion about variant significance. To our knowledge, no occurrence of c.29A>T in individuals affected with Noonan Syndrome and Related Conditions and no experimental evidence demonstrating its impact on protein function have been reported. No clinical diagnostic laboratories have submitted clinical-significance assessments for this variant to ClinVar after 2014. Based on the evidence outlined above, the variant was classified as uncertain significance.